The following is an entry in ClinVar:

ClinVar aggregate classification (germline): Pathogenic/Likely pathogenic. Review status: criteria provided, multiple submitters, no conflicts (2 of 4 stars). 5 submissions from 5 submitters: Pathogenic (1); Likely pathogenic (3). 1 of the submissions does not count toward it. Last evaluated 2025-06-26.

Conditions:
Glutaric aciduria, type 1. Also called: Glutaryl-CoA dehydrogenase deficiency; GA I; Glutaricaciduria, type I; Glutaric Acidemia Type 1; Glutaric acidemia type I; Glutaricacidemia Type 1. Identifiers: Orphanet 25, MedGen C0268595, MONDO:0009281, OMIM 231670.

Submissions (5):

Women's Health and Genetics/Laboratory Corporation of America, LabCorp
Classification: Likely pathogenic for Glutaric aciduria, type 1. Last evaluated: 2025-06-26. Review status: criteria provided, single submitter. Criteria: LabCorp Variant Classification Summary - May 2015. Collection method: clinical testing. Allele origin: germline.
Comment: Variant summary: GCDH c.397G>A (p.Val133Met) results in a conservative amino acid change located in the Acyl-CoA dehydrogenase/oxidase, N-terminal domain (IPR013786) of the encoded protein sequence. Algorithms developed to predict the effect of missense changes on protein structure and function are either unavailable or do not agree on the potential impact of this missense change. The variant allele was found at a frequency of 4e-06 in 251458 control chromosomes. c.397G>A has been observed in individual(s) affected with Glutaric Acidemia Type 1 (e.g. Zschocke_2000, Adhikari_2020, internal data). These data indicate that the variant is likely to be associated with disease. To our knowledge, no experimental evidence demonstrating an impact on protein function has been reported. The following publications have been ascertained in the context of this evaluation (PMID: 32778825, 19433437, 10699052). ClinVar contains an entry for this variant (Variation ID: 459951). Based on the evidence outlined above, the variant was classified as likely pathogenic.

GeneDx
Classification: Likely pathogenic. Last evaluated: 2025-03-13. Review status: criteria provided, single submitter. Criteria: GeneDx Variant Classification Process June 2021. Collection method: clinical testing. Allele origin: germline. Affected: yes.
Comment: Not observed at significant frequency in large population cohorts (gnomAD); In silico analysis supports that this missense variant has a deleterious effect on protein structure/function; This variant is associated with the following publications: (PMID: 32778825, 37020324, 10699052)

Fulgent Genetics
Classification: Likely pathogenic for Glutaric aciduria, type 1. Last evaluated: 2024-05-29. Review status: criteria provided, single submitter. Criteria: ACMG Guidelines, 2015. Collection method: clinical testing. Allele origin: germline.

Labcorp Genetics (formerly Invitae), Labcorp
Classification: Pathogenic for Glutaric aciduria, type 1. Last evaluated: 2023-11-05. Review status: criteria provided, single submitter. Criteria: Invitae Variant Classification Sherloc (09022015). Collection method: clinical testing. Allele origin: germline.
Comment: This sequence change replaces valine, which is neutral and non-polar, with methionine, which is neutral and non-polar, at codon 133 of the GCDH protein (p.Val133Met). This variant is present in population databases (no rsID available, gnomAD 0.007%). This missense change has been observed in individual(s) with glutaric aciduria type 1 (GA1) and (PMID: 10699052; Invitae). ClinVar contains an entry for this variant (Variation ID: 459951). Advanced modeling of protein sequence and biophysical properties (such as structural, functional, and spatial information, amino acid conservation, physicochemical variation, residue mobility, and thermodynamic stability) performed at Invitae indicates that this missense variant is expected to disrupt GCDH protein function with a positive predictive value of 80%. This variant disrupts the p.Val133 amino acid residue in GCDH. Other variant(s) that disrupt this residue have been determined to be pathogenic (PMID: 27397597; Invitae). This suggests that this residue is clinically significant, and that variants that disrupt this residue are likely to be disease-causing. For these reasons, this variant has been classified as Pathogenic.

Natera, Inc.
Classification: Uncertain significance for Glutaric acidemia type 1. Last evaluated: 2020-09-16. Review status: no assertion criteria provided. Collection method: clinical testing. Allele origin: germline. Not counted in ClinVar's aggregate classification.

Literature cited by the submitters: PubMed 10699052 (cited by Women's Health and Genetics/Laboratory Corporation of America, LabCorp and Labcorp Genetics (formerly Invitae), Labcorp); PubMed 32778825 (cited by Women's Health and Genetics/Laboratory Corporation of America, LabCorp); PubMed 19433437 (cited by Women's Health and Genetics/Laboratory Corporation of America, LabCorp); PubMed 27397597 (cited by Labcorp Genetics (formerly Invitae), Labcorp).

NM_000159.4(GCDH):c.397G>A (p.Val133Met)

Gene: GCDH (glutaryl-CoA dehydrogenase; plus strand). Cytogenetic location: 19p13.13.
Variant type: single nucleotide variant.
Coding change: c.397G>A on transcript NM_000159.4 (MANE Select); coding-DNA position 397, G replaced by A.
Protein change: p.Val133Met; replaces valine 133 with methionine.
Molecular consequence: missense variant. On other transcripts: non-coding transcript variant (2).
Genome position (GRCh38, 1-based): chr19:12,893,545, G>A. VCF-style: chr19-12893545-G-A. GRCh37 (hg19) VCF-style: chr19-13004359-G-A.
Other names: c.397G>A (NM_000159.2); c.397G>A, p.Val133Met (NM_013976.5); short protein forms V133M.
Identifiers: ClinVar variation 459951 (VCV000459951.15), dbSNP rs746388510, ClinGen allele CA404317460.